The following is an entry in ClinVar:

ClinVar aggregate classification (germline): Pathogenic/Likely pathogenic. Review status: criteria provided, multiple submitters, no conflicts (2 of 4 stars). 2 submissions from 2 submitters: Pathogenic (1); Likely pathogenic (1). Last evaluated 2024-04-22.

Conditions:
Primary ciliary dyskinesia 3. Identifiers: Orphanet 244, MedGen C1837618, MONDO:0012085, OMIM 608644.
Primary ciliary dyskinesia. Also called: Ciliary dyskinesia. Identifiers: Orphanet 244, MedGen C0008780, MONDO:0016575, HP:0012265.

Submissions (2):

Fulgent Genetics
Classification: Likely pathogenic for Primary ciliary dyskinesia 3. Last evaluated: 2024-04-22. Review status: criteria provided, single submitter. Criteria: ACMG Guidelines, 2015. Collection method: clinical testing. Allele origin: germline.

Labcorp Genetics (formerly Invitae), Labcorp
Classification: Pathogenic for Primary ciliary dyskinesia. Last evaluated: 2023-08-01. Review status: criteria provided, single submitter. Criteria: Invitae Variant Classification Sherloc (09022015). Collection method: clinical testing. Allele origin: germline.
Comment: This sequence change creates a premature translational stop signal (p.Cys2141*) in the DNAH5 gene. It is expected to result in an absent or disrupted protein product. Loss-of-function variants in DNAH5 are known to be pathogenic (PMID: 11788826, 16627867). This variant is not present in population databases (gnomAD no frequency). This variant has not been reported in the literature in individuals affected with DNAH5-related conditions. ClinVar contains an entry for this variant (Variation ID: 640607). For these reasons, this variant has been classified as Pathogenic.

Literature cited by the submitters: PubMed 11788826 (cited by Labcorp Genetics (formerly Invitae), Labcorp); PubMed 16627867 (cited by Labcorp Genetics (formerly Invitae), Labcorp).

NM_001369.3(DNAH5):c.6423_6424del (p.Cys2141_Glu2142delinsTer)

Gene: DNAH5 (dynein axonemal heavy chain 5; minus strand). Cytogenetic location: 5p15.2.
Variant type: Microsatellite.
Coding change: c.6423_6424del on transcript NM_001369.3 (MANE Select); coding-DNA positions 6423 to 6424, 2 bases deleted (TG; older notation c.6423_6424delTG).
Protein change: p.Cys2141_Glu2142delinsTer.
Molecular consequence: nonsense.
Genome position (GRCh38, 1-based): chr5:13,829,530-13,829,531, CA deleted on the plus strand (TG on the coding strand, the reverse complement: DNAH5 is on the minus strand); deleting any 2 consecutive bases within chr5:13,829,530-13,829,535 gives the same sequence; the c. name uses the placement nearest the transcript's 3' end. VCF-style (leftmost placement, unchanged base first): chr5-13829529-TCA-T. GRCh37 (hg19) VCF-style: chr5-13829638-TCA-T.
Other names: c.6423_6424delTG (NM_001369.2).
Identifiers: ClinVar variation 640607 (VCV000640607.9), dbSNP rs1580457416, ClinGen allele CA915943293.